The following is an entry in ClinVar:

ClinVar aggregate classification (germline): Uncertain significance (1 of 4 stars; one submission).

Conditions:
Familial cancer of breast. Also called: BREAST CANCER, FAMILIAL; Hereditary breast cancer; hereditary breast carcinoma. Identifiers: Orphanet 227535, MedGen C0346153, MONDO:0016419, OMIM 114480. Disease mechanism: loss of function.

Submission:

Labcorp Genetics (formerly Invitae), Labcorp
Classification: Uncertain significance for Familial cancer of breast. Last evaluated: 2016-12-14. Review status: criteria provided, single submitter. Criteria: Invitae Variant Classification Sherloc (09022015). Collection method: clinical testing. Allele origin: germline.
Comment: Algorithms developed to predict the effect of missense changes on protein structure and function (SIFT, PolyPhen-2, Align-GVGD) all suggest that this variant is likely to be tolerated, but these predictions have not been confirmed by published functional studies. In summary, this variant is a novel missense change that is not predicted to affect protein function. There is no indication that it causes disease, but the available evidence is currently insufficient to prove that conclusively. Therefore, it has been classified as a Variant of Uncertain Significance. This variant is not present in population databases (ExAC no frequency) and has not been reported in the literature in individuals with a PALB2-related disease. This sequence change replaces methionine with valine at codon 1022 of the PALB2 protein (p.Met1022Val). The methionine residue is moderately conserved and there is a small physicochemical difference between methionine and valine.

NM_024675.4(PALB2):c.3064A>G (p.Met1022Val)

Gene: PALB2 (partner and localizer of BRCA2; minus strand). Cytogenetic location: 16p12.2.
Variant type: single nucleotide variant.
Coding change: c.3064A>G on transcript NM_024675.4 (MANE Select); coding-DNA position 3064, A replaced by G.
Protein change: p.Met1022Val; replaces methionine 1022 with valine.
Molecular consequence: missense variant.
Genome position (GRCh38, 1-based): chr16:23,621,411, T>C on the plus strand (A>G on the coding strand, the complement: PALB2 is on the minus strand). VCF-style: chr16-23621411-T-C. GRCh37 (hg19) VCF-style: chr16-23632732-T-C.
Other names: short protein forms M1022V.
Identifiers: ClinVar variation 410197 (VCV000410197.9), dbSNP rs1060502792, ClinGen allele CA16614814.